The following is an entry in ClinVar:

NM_001003800.2(BICD2):c.2209A>G (p.Lys737Glu)

Gene: BICD2 (BICD cargo adaptor 2; minus strand). Cytogenetic location: 9q22.31.
Variant type: single nucleotide variant.
Coding change: c.2209A>G on transcript NM_001003800.2 (MANE Select); coding-DNA position 2209, A replaced by G.
Protein change: p.Lys737Glu; replaces lysine 737 with glutamic acid.
Molecular consequence: missense variant.
Genome position (GRCh38, 1-based): chr9:92,717,846, T>C on the plus strand (A>G on the coding strand, the complement: BICD2 is on the minus strand). VCF-style: chr9-92717846-T-C. GRCh37 (hg19) VCF-style: chr9-95480128-T-C.
Other names: c.2209A>G, p.Lys737Glu (NM_015250.4); short protein forms K737E.
Identifiers: ClinVar variation 1450844 (VCV001450844.8), dbSNP rs2131498684, ClinGen allele CA374032474.
Genomic context (GRCh38, chr9:92,717,846, plus strand): 5'-AGCACGGTTACCTGGTGGCAAACATAGCACGCAGCGAGGAGAAGGTGGCTGCGTCCTCCT[T>C]GAGGGCCTTGAGCTCATTGCGCAGCTTCATCATGGTCTCGGTAACCATGGCCTTCTCATT-3'
Protein context (NP_001003800.1, residues 727-747): MKLRNELKAL[Lys737Glu]EDAATFSSLR

ClinVar aggregate classification (germline): Uncertain significance (1 of 4 stars; one submission).

Conditions:
Autosomal dominant childhood-onset proximal spinal muscular atrophy with contractures (SMALED2A). Also called: SPINAL MUSCULAR ATROPHY, LOWER EXTREMITY-PREDOMINANT, 2A, CHILDHOOD ONSET, AUTOSOMAL DOMINANT; Spinal muscular atrophy, lower extremity-predominant, 2A, autosomal dominant. Identifiers: Orphanet 363447, Orphanet 363454, MedGen C4747715, MONDO:0014121, OMIM 615290.

Submission:

Labcorp Genetics (formerly Invitae), Labcorp
Classification: Uncertain significance for Autosomal dominant childhood-onset proximal spinal muscular atrophy with contractures. Last evaluated: 2021-07-17. Review status: criteria provided, single submitter. Criteria: Invitae Variant Classification Sherloc (09022015). Collection method: clinical testing. Allele origin: germline.
Comment: This sequence change replaces lysine with glutamic acid at codon 737 of the BICD2 protein (p.Lys737Glu). The lysine residue is highly conserved and there is a small physicochemical difference between lysine and glutamic acid. This variant is not present in population databases (ExAC no frequency). This variant has not been reported in the literature in individuals affected with BICD2-related conditions. Advanced modeling of protein sequence and biophysical properties (such as structural, functional, and spatial information, amino acid conservation, physicochemical variation, residue mobility, and thermodynamic stability) performed at Invitae indicates that this missense variant is expected to disrupt BICD2 protein function. In summary, the available evidence is currently insufficient to determine the role of this variant in disease. Therefore, it has been classified as a Variant of Uncertain Significance.